The following is an entry in ClinVar:

NM_006766.5(KAT6A):c.3832C>T (p.Arg1278Cys)

Gene: KAT6A (lysine acetyltransferase 6A; minus strand). Cytogenetic location: 8p11.21.
Variant type: single nucleotide variant.
Coding change: c.3832C>T on transcript NM_006766.5 (MANE Select); coding-DNA position 3832, C replaced by T.
Protein change: p.Arg1278Cys; replaces arginine 1278 with cysteine.
Molecular consequence: missense variant.
Genome position (GRCh38, 1-based): chr8:41,934,388, G>A on the plus strand (C>T on the coding strand, the complement: KAT6A is on the minus strand). VCF-style: chr8-41934388-G-A. GRCh37 (hg19) VCF-style: chr8-41791906-G-A.
Other names: c.3832C>T (NM_006766.4, NM_006766.3); short protein forms R1278C.
Identifiers: ClinVar variation 1905451 (VCV001905451.7), dbSNP rs143346098, ClinGen allele CA4729596.

ClinVar aggregate classification (germline): Benign/Likely benign. Review status: criteria provided, multiple submitters, no conflicts (2 of 4 stars). 3 submissions from 3 submitters: Benign (1); Likely benign (1). 1 of the submissions does not count toward it. Last evaluated 2025-12-08.

Conditions:
Inborn genetic diseases. Identifiers: MedGen C0950123, MeSH D030342.
KAT6A-related disorder. Also called: KAT6A-related condition.

Allele frequency attached by ClinVar (database versions not stated): ESP Exome Variant Server 0.00008; gnomAD 0.00012; TOPMed 0.00012; 1000 Genomes Project 0.00020; 1000 Genomes Project 30x 0.00031.

Submissions (3):

Ambry Genetics
Classification: Likely benign for Inborn genetic diseases. Last evaluated: 2025-12-08. Review status: criteria provided, single submitter. Criteria: Ambry Variant Classification Scheme 2023. Collection method: clinical testing. Allele origin: germline.

Labcorp Genetics (formerly Invitae), Labcorp
Classification: Benign. Last evaluated: 2025-11-27. Review status: criteria provided, single submitter. Criteria: Invitae Variant Classification Sherloc (09022015). Collection method: clinical testing. Allele origin: germline.

PreventionGenetics, part of Exact Sciences
Classification: Likely benign for KAT6A-related condition. Last evaluated: 2024-05-08. Review status: no assertion criteria provided. Collection method: clinical testing. Allele origin: germline. Not counted in ClinVar's aggregate classification.
Comment: This variant is classified as likely benign based on ACMG/AMP sequence variant interpretation guidelines (Richards et al. 2015 PMID: 25741868, with internal and published modifications).